The following is an entry in ClinVar:

NM_030632.3(ASXL3):c.5116_5117del (p.Gln1706fs)

Gene: ASXL3 (ASXL transcriptional regulator 3; plus strand). Cytogenetic location: 18q12.1.
Variant type: Microsatellite.
Coding change: c.5116_5117del on transcript NM_030632.3 (MANE Select); coding-DNA positions 5116 to 5117, 2 bases deleted (CA; older notation c.5116_5117delCA).
Protein change: p.Gln1706fs; shifts the reading frame from glutamine 1706.
Molecular consequence: frameshift variant.
Genome position (GRCh38, 1-based): chr18:33,744,964-33,744,965, CA deleted; deleting any 2 consecutive bases within chr18:33,744,961-33,744,965 gives the same sequence; the c. name uses the placement nearest the transcript's 3' end. VCF-style (leftmost placement, unchanged base first): chr18-33744960-AAC-A. GRCh37 (hg19) VCF-style: chr18-31324924-AAC-A.
Other names: short protein forms Q1706fs.
Identifiers: ClinVar variation 3958410 (VCV003958410.1).

ClinVar aggregate classification (germline): Pathogenic (1 of 4 stars; one submission).

Conditions:
Inborn genetic diseases. Identifiers: MedGen C0950123, MeSH D030342.

Submission:

Ambry Genetics
Classification: Pathogenic for Inborn genetic diseases. Last evaluated: 2025-06-11. Review status: criteria provided, single submitter. Criteria: Ambry Variant Classification Scheme 2023. Collection method: clinical testing. Allele origin: germline.
Comment: The c.5116_5117delCA (p.Q1706Efs*40) alteration, located in exon 12 (coding exon 12) of the ASXL3 gene, consists of a deletion of 2 nucleotides from position 5116 to 5117, causing a translational frameshift with a predicted alternate stop codon after 40 amino acids. This variant is not expected to trigger nonsense-mediated mRNA decay and impacts the last 24% of the protein. Premature stop codons are typically deleterious in nature, the impacted region is critical for protein function, and a significant portion of the protein is affected (Ambry internal data). This variant was not reported in population-based cohorts in the Genome Aggregation Database (gnomAD). Based on the available evidence, this alteration is classified as pathogenic.